The following is an entry in ClinVar:

NM_001792.5(CDH2):c.328G>C (p.Glu110Gln)

Gene: CDH2 (cadherin 2; minus strand). Cytogenetic location: 18q12.1.
Variant type: single nucleotide variant.
Coding change: c.328G>C on transcript NM_001792.5 (MANE Select); coding-DNA position 328, G replaced by C.
Protein change: p.Glu110Gln; replaces glutamic acid 110 with glutamine.
Molecular consequence: missense variant.
Genome position (GRCh38, 1-based): chr18:28,013,754, C>G on the plus strand (G>C on the coding strand, the complement: CDH2 is on the minus strand). VCF-style: chr18-28013754-C-G. GRCh37 (hg19) VCF-style: chr18-25593718-C-G.
Other names: c.235G>C, p.Glu79Gln (NM_001308176.2); short protein forms E110Q, E79Q.
Identifiers: ClinVar variation 3621360 (VCV003621360.2).

ClinVar aggregate classification (germline): Uncertain significance (1 of 4 stars; one submission).

Submission:

Labcorp Genetics (formerly Invitae), Labcorp
Classification: Uncertain significance. Last evaluated: 2024-04-25. Review status: criteria provided, single submitter. Criteria: Invitae Variant Classification Sherloc (09022015). Collection method: clinical testing. Allele origin: germline.
Comment: This sequence change replaces glutamic acid, which is acidic and polar, with glutamine, which is neutral and polar, at codon 110 of the CDH2 protein (p.Glu110Gln). This variant is present in population databases (rs552668002, gnomAD 0.006%). This variant has not been reported in the literature in individuals affected with CDH2-related conditions. An algorithm developed to predict the effect of missense changes on protein structure and function (PolyPhen-2) suggests that this variant is likely to be tolerated. In summary, the available evidence is currently insufficient to determine the role of this variant in disease. Therefore, it has been classified as a Variant of Uncertain Significance.